The following is an entry in ClinVar:

ClinVar aggregate classification (germline): Uncertain significance (1 of 4 stars; one submission).

Conditions:
Fanconi anemia (FA). Also called: Fanconi's anemia. Identifiers: Orphanet 84, MedGen C0015625, MeSH D005199, MONDO:0019391.

Submission:

Labcorp Genetics (formerly Invitae), Labcorp
Classification: Uncertain significance for Fanconi anemia. Last evaluated: 2020-01-11. Review status: criteria provided, single submitter. Criteria: Invitae Variant Classification Sherloc (09022015). Collection method: clinical testing. Allele origin: germline.
Comment: This variant has not been reported in the literature in individuals with FANCD2-related disease. This variant is not present in population databases (ExAC no frequency). This sequence change affects codon 995 of the FANCD2 mRNA. It is a 'silent' change, meaning that it does not change the encoded amino acid sequence of the FANCD2 protein. In summary, the available evidence is currently insufficient to determine the role of this variant in disease. Therefore, it has been classified as a Variant of Uncertain Significance. Algorithms developed to predict the effect of sequence changes on RNA splicing suggest that this variant may create or strengthen a splice site, but this prediction has not been confirmed by published transcriptional studies.

NM_001018115.3(FANCD2):c.2985A>T (p.Gly995=)

Gene: FANCD2 (FA complementation group D2; plus strand). Cytogenetic location: 3p25.3.
Variant type: single nucleotide variant.
Coding change: c.2985A>T on transcript NM_001018115.3 (MANE Select); coding-DNA position 2985, A replaced by T.
Protein change: p.Gly995=; no amino-acid change (glycine 995 retained).
Molecular consequence: synonymous variant.
Genome position (GRCh38, 1-based): chr3:10,081,108, A>T. VCF-style: chr3-10081108-A-T. GRCh37 (hg19) VCF-style: chr3-10122792-A-T.
Other names: c.2985A>T, p.Gly995= (NM_001319984.2, NM_001374254.1, NM_033084.6); c.2874A>T, p.Gly958= (NM_001374253.1).
Identifiers: ClinVar variation 653795 (VCV000653795.8), dbSNP rs1575823725, ClinGen allele CA432413086.
Genomic context (GRCh38, chr3:10,081,108, plus strand): 5'-TCTGAGACGCTATCCAGCAGTTTCTTCACTCATAACTCTGCATTTATTATAGAACAAAGG[A>T]AGCCGGAATATTGGATTCTCACATCTCCAACAGAGATCTGCCCAAGAAATTGTTCATTGT-3'
Protein context (NP_001018125.1, residues 985-1005): ARRVPFLKNK[Gly995=]SRNIGFSHLQ